The following is an entry in ClinVar:

NM_018122.5(DARS2):c.796C>T (p.Arg266Ter)

Gene: DARS2 (aspartyl-tRNA synthetase 2, mitochondrial; plus strand). Cytogenetic location: 1q25.1.
Variant type: single nucleotide variant.
Coding change: c.796C>T on transcript NM_018122.5 (MANE Select); coding-DNA position 796, C replaced by T.
Protein change: p.Arg266Ter; replaces arginine 266 with a stop codon.
Molecular consequence: nonsense.
Genome position (GRCh38, 1-based): chr1:173,838,215, C>T. VCF-style: chr1-173838215-C-T. GRCh37 (hg19) VCF-style: chr1-173807353-C-T.
Other names: NM_018122.5(DARS2):c.796C>T; p.Arg266Ter; c.796C>T, p.Arg266Ter (NM_001365212.1, NM_001365213.2); c.796C>T (NM_018122.4); short protein forms R266*.
Identifiers: ClinVar variation 2202881 (VCV002202881.8), dbSNP rs149035108, ClinGen allele CA1250241.
Genomic context (GRCh38, chr1:173,838,215, plus strand): 5'-ATCATAACTCAATTAATGCTATTTCTCAATTGTAGATATTTTCAGGTTGCCCGATGTTAT[C>T]GAGATGAAGGTTCAAGACCAGACAGACAGCCTGAGTTTACTCAGGTACAAAGTTATATTC-3'

ClinVar aggregate classification (germline): Pathogenic/Likely pathogenic. Review status: criteria provided, multiple submitters, no conflicts (2 of 4 stars). 5 submissions from 5 submitters: Pathogenic (3); Likely pathogenic (2). Last evaluated 2025-01-21.

Conditions:
Leukoencephalopathy with brain stem and spinal cord involvement-high lactate syndrome (LBSL). Also called: MITOCHONDRIAL ASPARTYL-tRNA SYNTHETASE DEFICIENCY; LEUKOENCEPHALOPATHY WITH BRAINSTEM AND SPINAL CORD INVOLVEMENT AND LACTATE ELEVATION, MILD; Leukoencephalopathy with Brainstem and Spinal Cord Involvement and Lactate Elevation. Identifiers: Orphanet 137898, MedGen C1970180, MONDO:0012622, OMIM 611105.
Inborn genetic diseases. Identifiers: MedGen C0950123, MeSH D030342.

Allele frequency attached by ClinVar (database versions not stated): gnomAD 0.00007; ESP Exome Variant Server 0.00023.
gnomAD v4.1: 27 of 1,613,458 alleles (0.0017%); highest among the groups gnomAD compares: African/African-American, 0.019%; no homozygotes.

Submissions (5):

Broad Center for Mendelian Genomics, Broad Institute of MIT and Harvard
Classification: Likely pathogenic for Leukoencephalopathy with brain stem and spinal cord involvement-high lactate syndrome. Last evaluated: 2025-01-21. Review status: criteria provided, single submitter. Criteria: ACMG Guidelines, 2015. Collection method: curation. Allele origin: germline. Inheritance: Autosomal recessive inheritance.
Comment: The p.Arg266Ter variant in DARS2 has been reported, in the compound heterozygous state, in 1 individual with leukoencephalopathy with brain stem and spinal cord involvement-high lactate syndrome (PMID: 24566671), and has been identified in 0.02% (14/74862) of African/African American chromosomes by the Genome Aggregation Database (gnomAD; dbSNP rs149035108). Although this variant has been seen in the general population in a heterozygous state, its frequency is not high enough to rule out a pathogenic role. This nonsense variant leads to a premature termination codon at position 266, which is predicted to lead to a truncated or absent protein. Loss of function of the DARS2 gene is an established disease mechanism in autosomal recessive leukoencephalopathy with brain stem and spinal cord involvement-high lactate syndrome. In summary, although additional studies are required to fully establish its clinical significance, this variant is likely pathogenic for autosomal recessive leukoencephalopathy with brain stem and spinal cord involvement-high lactate syndrome. ACMG/AMP Criteria applied: PVS1, PM3 (Richards 2015).

Labcorp Genetics (formerly Invitae), Labcorp
Classification: Pathogenic. Last evaluated: 2024-02-02. Review status: criteria provided, single submitter. Criteria: Invitae Variant Classification Sherloc (09022015). Collection method: clinical testing. Allele origin: germline.
Comment: This sequence change creates a premature translational stop signal (p.Arg266*) in the DARS2 gene. It is expected to result in an absent or disrupted protein product. Loss-of-function variants in DARS2 are known to be pathogenic (PMID: 17384640, 24566671). This variant is present in population databases (rs149035108, gnomAD 0.02%). This premature translational stop signal has been observed in individual(s) with leukoencephalopathy (PMID: 24566671). ClinVar contains an entry for this variant (Variation ID: 2202881). For these reasons, this variant has been classified as Pathogenic.

GeneDx
Classification: Likely pathogenic. Last evaluated: 2023-10-30. Review status: criteria provided, single submitter. Criteria: GeneDx Variant Classification Process June 2021. Collection method: clinical testing. Allele origin: germline. Affected: yes.
Comment: Nonsense variant predicted to result in protein truncation or nonsense mediated decay in a gene for which loss of function is a known mechanism of disease; This variant is associated with the following publications: (PMID: 24566671)

Genome-Nilou Lab
Classification: Pathogenic for Leukoencephalopathy with brain stem and spinal cord involvement-high lactate syndrome. Last evaluated: 2023-04-11. Review status: criteria provided, single submitter. Criteria: ACMG Guidelines, 2015. Collection method: clinical testing. Allele origin: germline. Affected: no.

Ambry Genetics
Classification: Pathogenic for Inborn genetic diseases. Last evaluated: 2022-01-19. Review status: criteria provided, single submitter. Criteria: Ambry Variant Classification Scheme 2023. Collection method: clinical testing. Allele origin: germline.
Comment: The c.796C>T (p.R266*) alteration, located in exon 9 (coding exon 9) of the DARS2 gene, consists of a C to T substitution at nucleotide position 796. This changes the amino acid from a arginine (R) to a stop codon at amino acid position 266. This alteration is expected to result in loss of function by premature protein truncation or nonsense-mediated mRNA decay. Based on data from gnomAD, the T allele has an overall frequency of <0.01% (6/251392) total alleles studied. The highest observed frequency was 0.02% (3/16254) of African alleles. Based on the available evidence, this alteration is classified as pathogenic.

Literature cited by the submitters: PubMed 17384640 (cited by Labcorp Genetics (formerly Invitae), Labcorp); PubMed 24566671 (cited by Labcorp Genetics (formerly Invitae), Labcorp and Ambry Genetics).